The following is an entry in ClinVar:

NM_030940.4(ISCA1):c.20G>C (p.Arg7Pro)

Genes: ISCA1 (iron-sulfur cluster assembly 1; minus strand), LOC130001967 (ATAC-STARR-seq lymphoblastoid active region 28514; plus strand). Cytogenetic location: 9q21.33.
Variant type: single nucleotide variant.
Coding change: c.20G>C on transcript NM_030940.4 (MANE Select); coding-DNA position 20, G replaced by C.
Protein change: p.Arg7Pro; replaces arginine 7 with proline.
Molecular consequence: missense variant.
Genome position (GRCh38, 1-based): chr9:86,282,439, C>G on the plus strand (G>C on the coding strand, the complement: ISCA1 is on the minus strand). VCF-style: chr9-86282439-C-G. GRCh37 (hg19) VCF-style: chr9-88897354-C-G.
Other names: short protein forms R7P.
Identifiers: ClinVar variation 2585244 (VCV002585244.1), dbSNP rs766827180, ClinGen allele CA373948688.

ClinVar aggregate classification (germline): Uncertain significance (1 of 4 stars; one submission).

Conditions:
Multiple mitochondrial dysfunctions syndrome 5. Also called: ISCA1-Related Multiple Mitochondrial Dysfunctions Syndrome. Identifiers: Orphanet 569274, MedGen C4539919, MONDO:0033282, OMIM 617613.

Submission:

Neuberg Centre For Genomic Medicine, NCGM
Classification: Uncertain significance for Multiple mitochondrial dysfunctions syndrome 5. Review status: criteria provided, single submitter. Criteria: ACMG Guidelines, 2015. Collection method: clinical testing. Allele origin: germline. Inheritance: Autosomal recessive inheritance. Affected: yes.
Comment: The missense variant c.20G>C (p.Arg7Pro) in ISCA1 gene has not been reported previously as a pathogenic variant nor as a benign variant, to our knowledge. The p.Arg7Pro variant is novel (not in any individuals) in gnomAD Exomes and 1000 Genomes. The amino acid Arg at position 7 is changed to a Pro changing protein sequence and it might alter its composition and physico-chemical properties. In silico tools predict the variant to be tolerated. The residue is conserved across species. The amino acid change p.Arg7Pro in ISCA1 is predicted as conserved by GERP++ and PhyloP across 100 vertebrates. For these reasons, this variant has been classified as Uncertain Significance.